The following is an entry in ClinVar:

ClinVar aggregate classification (germline): Uncertain significance (1 of 4 stars; one submission).

Allele frequency attached by ClinVar (database versions not stated): gnomAD exomes 0.00001; ExAC 0.00002.
gnomAD v4.1: 9 of 1,613,678 alleles (0.00056%); highest among the groups gnomAD compares: Admixed American, 0.0017%; no homozygotes.

Submission:

Labcorp Genetics (formerly Invitae), Labcorp
Classification: Uncertain significance. Last evaluated: 2022-08-15. Review status: criteria provided, single submitter. Criteria: Invitae Variant Classification Sherloc (09022015). Collection method: clinical testing. Allele origin: germline.
Comment: In summary, the available evidence is currently insufficient to determine the role of this variant in disease. Therefore, it has been classified as a Variant of Uncertain Significance. Algorithms developed to predict the effect of missense changes on protein structure and function output the following: SIFT: "Tolerated"; PolyPhen-2: "Benign"; Align-GVGD: "Class C0". The threonine amino acid residue is found in multiple mammalian species, which suggests that this missense change does not adversely affect protein function. This variant has not been reported in the literature in individuals affected with CRAT-related conditions. This variant is present in population databases (rs776605129, gnomAD 0.003%). This sequence change replaces alanine, which is neutral and non-polar, with threonine, which is neutral and polar, at codon 345 of the CRAT protein (p.Ala345Thr).

NM_000755.5(CRAT):c.1033G>A (p.Ala345Thr)

Gene: CRAT (carnitine O-acetyltransferase; minus strand). Cytogenetic location: 9q34.11.
Variant type: single nucleotide variant.
Coding change: c.1033G>A on transcript NM_000755.5 (MANE Select); coding-DNA position 1033, G replaced by A.
Protein change: p.Ala345Thr; replaces alanine 345 with threonine.
Molecular consequence: missense variant.
Genome position (GRCh38, 1-based): chr9:129,099,918, C>T on the plus strand (G>A on the coding strand, the complement: CRAT is on the minus strand). VCF-style: chr9-129099918-C-T. GRCh37 (hg19) VCF-style: chr9-131862197-C-T.
Other names: c.970G>A, p.Ala324Thr (NM_001257363.3, NM_001346548.2, NM_004003.4); c.1036G>A, p.Ala346Thr (NM_001346546.2); c.1033G>A, p.Ala345Thr (NM_001346547.2); c.913G>A, p.Ala305Thr (NM_001346549.2); short protein forms A305T, A324T, A345T, A346T.
Identifiers: ClinVar variation 1716479 (VCV001716479.5), dbSNP rs776605129, ClinGen allele CA5275533.